The following is an entry in ClinVar:

NM_138420.4(AHNAK2):c.3547G>A (p.Glu1183Lys)

Gene: AHNAK2 (AHNAK nucleoprotein 2; minus strand). Cytogenetic location: 14q32.33.
Variant type: single nucleotide variant.
Coding change: c.3547G>A on transcript NM_138420.4 (MANE Select); coding-DNA position 3547, G replaced by A.
Protein change: p.Glu1183Lys; replaces glutamic acid 1183 with lysine.
Molecular consequence: missense variant.
Genome position (GRCh38, 1-based): chr14:104,951,904, C>T on the plus strand (G>A on the coding strand, the complement: AHNAK2 is on the minus strand). VCF-style: chr14-104951904-C-T. GRCh37 (hg19) VCF-style: chr14-105418241-C-T.
Other names: c.3247G>A, p.Glu1083Lys (NM_001350929.2); short protein forms E1083K, E1183K.
Identifiers: ClinVar variation 3100950 (VCV003100950.21), dbSNP rs374994507, ClinGen allele CA7382949.

ClinVar aggregate classification (germline): Conflicting classifications of pathogenicity. Review status: criteria provided, conflicting classifications (1 of 4 stars). 2 submissions from 2 submitters: Uncertain significance (1); Likely benign (1). Last evaluated 2024-04-01.

Allele frequency attached by ClinVar (database versions not stated): 1000 Genomes Project 0.00060; 1000 Genomes Project 30x 0.00109.

Submissions (2):

CeGaT Center for Human Genetics Tuebingen
Classification: Likely benign. Last evaluated: 2024-04-01. Review status: criteria provided, single submitter. Criteria: CeGaT Center For Human Genetics Tuebingen Variant Classification Criteria Version 2. Collection method: clinical testing. Allele origin: germline. Affected: yes. Observed: 1 variant allele.
Comment: AHNAK2: BP4, BS1

Ambry Genetics
Classification: Uncertain significance. Last evaluated: 2024-01-24. Review status: criteria provided, single submitter. Criteria: Ambry Variant Classification Scheme 2023. Collection method: clinical testing. Allele origin: germline.